The following is an entry in ClinVar:

NM_000350.3(ABCA4):c.4246TTC[1] (p.Phe1417del)

Gene: ABCA4 (ATP binding cassette subfamily A member 4; minus strand). Cytogenetic location: 1p22.1.
Variant type: Microsatellite.
Coding change: c.4246TTC[1] on transcript NM_000350.3 (MANE Select); one copy of the 3-base unit TTC starting at c.4246; the reference has two copies in a row; one copy, 3 bases deleted; also written c.4249_4251del.
Protein change: p.Phe1417del; deletes phenylalanine 1417.
Molecular consequence: inframe deletion. On other transcripts: inframe indel (1).
Genome position (GRCh38, 1-based): chr1:94,030,998-94,031,000, GAA deleted on the plus strand (TTC on the coding strand, the reverse complement: ABCA4 is on the minus strand); deleting any 3 consecutive bases within chr1:94,030,998-94,031,004 gives the same sequence; the position shown is the placement nearest the transcript's 3' end. VCF-style (leftmost placement, unchanged base first): chr1-94030997-TGAA-T. GRCh37 (hg19) VCF-style: chr1-94496553-TGAA-T.
Other names: c.4023_4025CTT[1], p.Phe1343del (NM_001425324.1); c.4249_4251del (NM_000350.3); short protein forms F1417del, F1343del.
Identifiers: ClinVar variation 871798 (VCV000871798.50), dbSNP rs1467000353, ClinGen allele CA645372198.

ClinVar aggregate classification (germline): Pathogenic/Likely pathogenic. Review status: criteria provided, multiple submitters, no conflicts (2 of 4 stars). 5 submissions from 5 submitters: Pathogenic (3); Likely pathogenic (1). 1 of the submissions does not count toward it. Last evaluated 2026-06-17.

Conditions:
Severe early-childhood-onset retinal dystrophy (STGD1). Also called: Stargardt macular dystrophy; Juvenile onset macular degeneration; Stargardt disease 1; STGD; MACULAR DYSTROPHY WITH FLECKS, TYPE 1. Identifiers: Orphanet 364055, Orphanet 827, MedGen C1855465, MeSH D000080362, MONDO:0009549, OMIM 248200.
Retinal dystrophy. Also called: Inherited retinal dystrophy. Identifiers: Orphanet 71862, MedGen C0854723, MeSH D058499, MONDO:0019118, HP:0000556.
Retinal disorder. Also called: Retinopathy; Retinal disorders; Retinopathies; Retinal Diseases. Identifiers: MedGen C0035309, MONDO:0005283, HP:0000488.

Submissions (5):

North West Genomic Laboratory Hub, Manchester University NHS Foundation Trust
Classification: Likely pathogenic for Retinal disorders. Last evaluated: 2026-06-17. Review status: criteria provided, single submitter. Criteria: ACGS Best Practice Guidelines for Variant Classification in Rare Disease 2024. Collection method: clinical testing. Allele origin: germline. Affected: yes.
Comment: PM3_Str PM2_Mod PM4_Supp

Labcorp Genetics (formerly Invitae), Labcorp
Classification: Pathogenic. Last evaluated: 2025-03-17. Review status: criteria provided, single submitter. Criteria: Invitae Variant Classification Sherloc (09022015). Collection method: clinical testing. Allele origin: germline.
Comment: This variant, c.4249_4251del, results in the deletion of 1 amino acid(s) of the ABCA4 protein (p.Phe1417del), but otherwise preserves the integrity of the reading frame. This variant is not present in population databases (gnomAD no frequency). This variant has been observed in individual(s) with clinical features of Stargardt Disease (PMID: 23419329, 28446513, 28947085; internal data). In at least one individual the data is consistent with being in trans (on the opposite chromosome) from a pathogenic variant. It has also been observed to segregate with disease in related individuals. For these reasons, this variant has been classified as Pathogenic.

CeGaT Center for Human Genetics Tuebingen
Classification: Pathogenic. Last evaluated: 2018-04-01. Review status: criteria provided, single submitter. Criteria: CeGaT Center For Human Genetics Tuebingen Variant Classification Criteria Version 2. Collection method: clinical testing. Allele origin: germline. Affected: yes. Observed: 1 variant allele.

Institute of Human Genetics, Univ. Regensburg, Univ. Regensburg
Classification: Pathogenic for Retinal dystrophy. Last evaluated: 2016-01-01. Review status: criteria provided, single submitter. Criteria: ACMG Guidelines, 2015. Collection method: clinical testing. Allele origin: germline. Affected: yes.

Ophthalmo-Genetics Lab, Instituto de Oftalmologia Conde de Valenciana
Classification: Pathogenic for Severe early-childhood-onset retinal dystrophy. Review status: no assertion criteria provided. Collection method: research. Allele origin: germline. Inheritance: Autosomal recessive inheritance. Affected: yes. Not counted in ClinVar's aggregate classification.

Literature cited by the submitters: PubMed 23419329 (cited by 3 submitters); PubMed 28446513 (cited by Labcorp Genetics (formerly Invitae), Labcorp); PubMed 28947085 (cited by Labcorp Genetics (formerly Invitae), Labcorp and Institute of Human Genetics, Univ. Regensburg, Univ. Regensburg); PubMed 32531858 (cited by Institute of Human Genetics, Univ. Regensburg, Univ. Regensburg).